The following is an entry in ClinVar:

NM_001822.7(CHN1):c.59-1G>C

Gene: CHN1 (chimerin 1; minus strand). Cytogenetic location: 2q31.1.
Variant type: single nucleotide variant.
Coding change: c.59-1G>C on transcript NM_001822.7 (MANE Select); the canonical splice acceptor site of the intron before coding-DNA position 59, G replaced by C.
Molecular consequence: splice acceptor variant. On other transcripts: intron variant (1).
Genome position (GRCh38, 1-based): chr2:174,944,944, C>G on the plus strand (G>C on the coding strand, the complement: CHN1 is on the minus strand). VCF-style: chr2-174944944-C-G. GRCh37 (hg19) VCF-style: chr2-175809672-C-G.
Other names: c.59-1G>C (NM_001025201.4, NM_001371513.1); c.58+7220G>C (NM_001371514.1).
Identifiers: ClinVar variation 3384508 (VCV003384508.1).

ClinVar aggregate classification (germline): Uncertain significance (1 of 4 stars; one submission).

gnomAD v4.1: 1 of 1,569,316 alleles (0.000064%); highest among the groups gnomAD compares: Non-Finnish European, 0.000087%; no homozygotes.

Submission:

GeneDx
Classification: Uncertain significance. Last evaluated: 2024-06-04. Review status: criteria provided, single submitter. Criteria: GeneDx Variant Classification Process June 2021. Collection method: clinical testing. Allele origin: germline. Affected: yes.
Comment: Not observed at significant frequency in large population cohorts (gnomAD); Has not been previously published as pathogenic or benign to our knowledge; Canonical splice site variant in a gene for which loss-of-function is not an established mechanism of disease